The following is an entry in ClinVar:

ClinVar aggregate classification (germline): Likely pathogenic (1 of 4 stars; one submission).

Conditions:
Hypertrophic cardiomyopathy. Also called: HYPERTROPHIC MYOCARDIOPATHY. Identifiers: Orphanet 217569, MedGen C0007194, MeSH D002312, MONDO:0005045, HP:0001639.

Submission:

Labcorp Genetics (formerly Invitae), Labcorp
Classification: Likely pathogenic for Hypertrophic cardiomyopathy. Last evaluated: 2025-04-30. Review status: criteria provided, single submitter. Criteria: Invitae Variant Classification Sherloc (09022015). Collection method: clinical testing. Allele origin: germline.
Comment: This sequence change replaces methionine, which is neutral and non-polar, with threonine, which is neutral and polar, at codon 539 of the MYH7 protein (p.Met539Thr). This variant is not present in population databases (gnomAD no frequency). This missense change has been observed in individual(s) with clinical features of dilated cardiomyopathy (internal data). ClinVar contains an entry for this variant (Variation ID: 2849030). Invitae Evidence Modeling of protein sequence and biophysical properties (such as structural, functional, and spatial information, amino acid conservation, physicochemical variation, residue mobility, and thermodynamic stability) indicates that this missense variant is expected to disrupt MYH7 protein function with a positive predictive value of 95%. This variant disrupts the p.Met539 amino acid residue in MYH7. Other variant(s) that disrupt this residue have been determined to be pathogenic (PMID: 26271555, 33407484, 33658040; internal data). This suggests that this residue is clinically significant, and that variants that disrupt this residue are likely to be disease-causing. In summary, the currently available evidence indicates that the variant is pathogenic, but additional data are needed to prove that conclusively. Therefore, this variant has been classified as Likely Pathogenic.

Literature cited by the submitters: PubMed 26271555; PubMed 33407484; PubMed 33658040.

NM_000257.4(MYH7):c.1616T>C (p.Met539Thr)

Gene: MYH7 (myosin heavy chain 7; minus strand). Cytogenetic location: 14q11.2.
Variant type: single nucleotide variant.
Coding change: c.1616T>C on transcript NM_000257.4 (MANE Select); coding-DNA position 1616, T replaced by C.
Protein change: p.Met539Thr; replaces methionine 539 with threonine.
Molecular consequence: missense variant.
Genome position (GRCh38, 1-based): chr14:23,427,857, A>G on the plus strand (T>C on the coding strand, the complement: MYH7 is on the minus strand). VCF-style: chr14-23427857-A-G. GRCh37 (hg19) VCF-style: chr14-23897066-A-G.
Other names: c.1616T>C, p.Met539Thr (NM_001407004.1); short protein forms M539T.
Identifiers: ClinVar variation 2849030 (VCV002849030.3), dbSNP rs2502297471, ClinGen allele CA389050191.
Genomic context (GRCh38, chr14:23,427,857, plus strand): 5'-TTGCCCAGGTGGTTGTCAAACAGCTTGGCCTTGAAGGTCATGTCGGTGGCCTTGGGGAAC[A>G]TGCACTCCTCTTCCAGGATGGACATGATGCCCATGGGCTGAGGAAGCAGGAGAGAGCATC-3'
Protein context (NP_000248.2, residues 529-549): GIMSILEEEC[Met539Thr]FPKATDMTFK